The following is an entry in ClinVar:

NM_015335.5(MED13L):c.3257C>A (p.Pro1086His)

Gene: MED13L (mediator complex subunit 13L; minus strand). Cytogenetic location: 12q24.21.
Variant type: single nucleotide variant.
Coding change: c.3257C>A on transcript NM_015335.5 (MANE Select); coding-DNA position 3257, C replaced by A.
Protein change: p.Pro1086His; replaces proline 1086 with histidine.
Molecular consequence: missense variant.
Genome position (GRCh38, 1-based): chr12:115,991,697, G>T on the plus strand (C>A on the coding strand, the complement: MED13L is on the minus strand). VCF-style: chr12-115991697-G-T. GRCh37 (hg19) VCF-style: chr12-116429502-G-T.
Other names: short protein forms P1086H.
Identifiers: ClinVar variation 3363848 (VCV003363848.1).
Genomic context (GRCh38, chr12:115,991,697, plus strand): 5'-GCTTCGGGAATTGGCTGCATGGTGGCGGGCTCCACAGAGTTGAGGGGCCGTGTAGTAGAG[G>T]GGGTGGAGGCTGGTGATCCTTGATCGGTGCTATCATACTTAACAGACCCTTGACCACTGG-3'
Protein context (NP_056150.1, residues 1076-1096): STDQGSPAST[Pro1086His]STTRPLNSVE

ClinVar aggregate classification (germline): Uncertain significance (1 of 4 stars; one submission).

gnomAD v4.1: 3 of 1,613,820 alleles (0.00019%); highest among the groups gnomAD compares: African/African-American, 0.0013%; no homozygotes.

Submission:

GeneDx
Classification: Uncertain significance. Last evaluated: 2023-11-06. Review status: criteria provided, single submitter. Criteria: GeneDx Variant Classification Process June 2021. Collection method: clinical testing. Allele origin: germline. Affected: yes.
Comment: Not observed at significant frequency in large population cohorts (gnomAD); In silico analysis supports that this missense variant has a deleterious effect on protein structure/function; Has not been previously published as pathogenic or benign to our knowledge